The following is an entry in ClinVar:

NM_003072.5(SMARCA4):c.2587A>G (p.Ile863Val)

Gene: SMARCA4 (SWI/SNF related BAF chromatin remodeling complex subunit ATPase 4; plus strand). Cytogenetic location: 19p13.2.
Variant type: single nucleotide variant.
Coding change: c.2587A>G on transcript NM_003072.5 (MANE Select); coding-DNA position 2587, A replaced by G.
Protein change: p.Ile863Val; replaces isoleucine 863 with valine.
Molecular consequence: missense variant. On other transcripts: non-coding transcript variant (1).
Genome position (GRCh38, 1-based): chr19:11,019,672, A>G. VCF-style: chr19-11019672-A-G. GRCh37 (hg19) VCF-style: chr19-11130348-A-G.
Other names: c.2587A>G, p.Ile863Val (NM_001128847.4, NM_001128848.2, NM_001128844.3 and 6 more transcripts); short protein forms I863V.
Identifiers: ClinVar variation 2013978 (VCV002013978.4), dbSNP rs1364084948, ClinGen allele CA404054697.

ClinVar aggregate classification (germline): Uncertain significance (1 of 4 stars; one submission).

Conditions:
Rhabdoid tumor predisposition syndrome 2 (RTPS2). Identifiers: Orphanet 231108, Orphanet 69077, MedGen C2750074, MONDO:0013224, OMIM 613325.

Allele frequency attached by ClinVar (database versions not stated): gnomAD 0.00001.
gnomAD v4.1: 1 of 1,613,362 alleles (0.000062%); highest among the groups gnomAD compares: African/African-American, 0.0013%; no homozygotes.

Submission:

Labcorp Genetics (formerly Invitae), Labcorp
Classification: Uncertain significance for Rhabdoid tumor predisposition syndrome 2. Last evaluated: 2022-10-08. Review status: criteria provided, single submitter. Criteria: Invitae Variant Classification Sherloc (09022015). Collection method: clinical testing. Allele origin: germline.
Comment: This variant is present in population databases (no rsID available, gnomAD 0.01%). This sequence change replaces isoleucine, which is neutral and non-polar, with valine, which is neutral and non-polar, at codon 863 of the SMARCA4 protein (p.Ile863Val). This variant has not been reported in the literature in individuals affected with SMARCA4-related conditions. Advanced modeling of protein sequence and biophysical properties (such as structural, functional, and spatial information, amino acid conservation, physicochemical variation, residue mobility, and thermodynamic stability) performed at Invitae indicates that this missense variant is not expected to disrupt SMARCA4 protein function. In summary, the available evidence is currently insufficient to determine the role of this variant in disease. Therefore, it has been classified as a Variant of Uncertain Significance.